The following is an entry in ClinVar:

ClinVar aggregate classification (germline): Benign. Review status: criteria provided, multiple submitters, no conflicts (2 of 4 stars). 17 submissions from 16 submitters: Benign (12). 5 of the submissions do not count toward it. Last evaluated 2026-02-04.

Conditions:
Lymphangiomyomatosis (LAM). Also called: Lymphangioleiomyomatosis; Lymphangioleiomyomatosis, somatic. Identifiers: Orphanet 538, MedGen C0751674, MONDO:0011705, OMIM 606690.
Tuberous sclerosis syndrome (TSC). Also called: Tuberous Sclerosis Complex; Tuberous sclerosis. Identifiers: Orphanet 805, MedGen C0041341, MONDO:0001734.
Tuberous sclerosis 2 (TSC2). Identifiers: Orphanet 805, MedGen C1860707, MONDO:0013199, OMIM 613254.

Allele frequency attached by ClinVar (database versions not stated): 1000 Genomes Project 0.03435; TOPMed 0.04320; 1000 Genomes Project 30x 0.03279; ESP Exome Variant Server 0.05109; ExAC 0.05656.

Submissions (17):

Labcorp Genetics (formerly Invitae), Labcorp
Classification: Benign for Tuberous sclerosis 2. Last evaluated: 2026-02-04. Review status: criteria provided, single submitter. Criteria: Invitae Variant Classification Sherloc (09022015). Collection method: clinical testing. Allele origin: germline.

ARUP Laboratories, Molecular Genetics and Genomics, ARUP Laboratories
Classification: Benign. Last evaluated: 2025-07-30. Review status: criteria provided, single submitter. Criteria: ARUP Molecular Germline Variant Investigation Process 2024. Collection method: clinical testing. Allele origin: germline.

Myriad Genetics, Inc.
Classification: Benign for Tuberous sclerosis 2. Last evaluated: 2025-05-14. Review status: criteria provided, single submitter. Criteria: Myriad Autosomal Dominant, Autosomal Recessive and X-Linked Classification Criteria (2023). Collection method: clinical testing. Allele origin: unknown.
Comment: This variant is considered benign. This variant is intronic and is not expected to impact mRNA splicing. This variant has been observed at a population frequency that is significantly greater than expected given the associated disease prevalence and penetrance.

Blueprint Genetics
Classification: Benign. Last evaluated: 2024-11-27. Review status: criteria provided, single submitter. Criteria: ACMG Guidelines, 2015. Collection method: clinical testing. Allele origin: germline.

KCCC/NGS Laboratory, Kuwait Cancer Control Center
Classification: Benign for Tuberous sclerosis 2. Last evaluated: 2023-07-07. Review status: criteria provided, single submitter. Criteria: ACMG Guidelines, 2015. Collection method: clinical testing. Allele origin: germline. Affected: yes.

Genome-Nilou Lab
Classification: Benign for Tuberous sclerosis 2. Last evaluated: 2021-11-07. Review status: criteria provided, single submitter. Criteria: ACMG Guidelines, 2015. Collection method: clinical testing. Allele origin: germline. Affected: no.

Color Diagnostics, LLC DBA Color Health
Classification: Benign for Tuberous sclerosis syndrome. Last evaluated: 2019-03-29. Review status: criteria provided, single submitter. Criteria: ACMG Guidelines, 2015. Collection method: clinical testing. Allele origin: germline.

Illumina Laboratory Services, Illumina
Classification: Benign for Tuberous sclerosis syndrome. Last evaluated: 2018-01-12. Review status: criteria provided, single submitter. Criteria: ICSL Variant Classification Criteria 13 December 2019. Collection method: clinical testing. Allele origin: germline.
Comment: This variant was observed in the ICSL laboratory as part of a predisposition screen in an ostensibly healthy population. It had not been previously curated by ICSL or reported in the Human Gene Mutation Database (HGMD: prior to June 1st, 2018), and was therefore a candidate for classification through an automated scoring system. Utilizing variant allele frequency, disease prevalence and penetrance estimates, and inheritance mode, an automated score was calculated to assess if this variant is too frequent to cause the disease. Based on the score and internal cut-off values, a variant classified as benign is not then subjected to further curation. The score for this variant resulted in a classification of benign for this disease.

Laboratory for Molecular Medicine, Mass General Brigham Personalized Medicine
Classification: Benign. Last evaluated: 2013-02-21. Review status: criteria provided, single submitter. Criteria: LMM Criteria. Collection method: clinical testing. Allele origin: germline. Observed: 8 variant alleles.
Comment: 1600-14C>T in intron 15 of TSC2: This variant is not expected to have clinical s ignificance because it has been identified in 6.9% (597/8600) of European Americ an chromosomes from a broad population by the NHLBI Exome Sequencing Project (dbSNP rs45517185).

GeneDx
Classification: Benign. Last evaluated: 2012-03-08. Review status: criteria provided, single submitter. Criteria: GeneDx Variant Classification (06012015). Collection method: clinical testing. Allele origin: germline. Affected: yes.
Comment: This variant is considered likely benign or benign based on one or more of the following criteria: it is a conservative change, it occurs at a poorly conserved position in the protein, it is predicted to be benign by multiple in silico algorithms, and/or has population frequency not consistent with disease.

Breakthrough Genomics
Classification: Benign. Review status: criteria provided, single submitter. Criteria: ACMG Guidelines, 2015. Collection method: not provided. Allele origin: germline. Inheritance: Autosomal dominant inheritance. Affected: yes.

PreventionGenetics, part of Exact Sciences
Classification: Benign. Review status: criteria provided, single submitter. Criteria: ACMG Guidelines, 2015. Collection method: clinical testing. Allele origin: germline.

Clinical Genetics DNA and cytogenetics Diagnostics Lab, Erasmus MC, Erasmus Medical Center
Classification: Benign. Review status: no assertion criteria provided. Collection method: clinical testing. Allele origin: germline. Affected: yes. Study: VKGL Data-share Consensus. Not counted in ClinVar's aggregate classification.

Clinical Genetics, Academic Medical Center
Classification: Benign. Review status: no assertion criteria provided. Collection method: clinical testing. Allele origin: germline. Affected: yes. Study: VKGL Data-share Consensus. Not counted in ClinVar's aggregate classification.

Genome Diagnostics Laboratory, University Medical Center Utrecht
Classification: Benign. Review status: no assertion criteria provided. Collection method: clinical testing. Allele origin: germline. Affected: yes. Study: VKGL Data-share Consensus. Not counted in ClinVar's aggregate classification.

Tuberous sclerosis database (TSC2)
No classification provided. Condition: TSC. Review status: no classification provided. Criteria: Tuberous Sclerosis Database Assertion Criteria 2015. Collection method: curation. Allele origin: germline. Affected: yes. Not counted in ClinVar's aggregate classification.

Tuberous sclerosis database (TSC2)
No classification provided. Condition: TSC; LAM. Review status: no classification provided. Criteria: Tuberous Sclerosis Database Assertion Criteria 2015. Collection method: curation. Allele origin: germline. Affected: yes. Not counted in ClinVar's aggregate classification.

NM_000548.5(TSC2):c.1600-14C>T

Gene: TSC2 (TSC complex subunit 2; plus strand). Cytogenetic location: 16p13.3.
Variant type: single nucleotide variant.
Coding change: c.1600-14C>T on transcript NM_000548.5 (MANE Select); 14 bases into the intron before coding-DNA position 1600, C replaced by T.
Molecular consequence: intron variant.
Genome position (GRCh38, 1-based): chr16:2,065,505, C>T. VCF-style: chr16-2065505-C-T. GRCh37 (hg19) VCF-style: chr16-2115506-C-T.
Other names: c.1600-14C>T (NM_001114382.3, NM_021055.3, NM_001370405.1 and 4 more transcripts); c.1489-14C>T (NM_001318827.2); c.1000-14C>T (NM_001318831.2); c.1453-14C>T (NM_001318829.2); c.1633-14C>T (NM_001318832.2).
Identifiers: ClinVar variation 50139 (VCV000050139.41), dbSNP rs45517185, ClinGen allele CA015237.
Genomic context (GRCh38, chr16:2,065,505, plus strand): 5'-TGGTAGAAAGTGTTCTCACGGCTGCTGACTCAGAACCATGAGCCTGTGTGTAAGTCCTGG[C>T]CTTCTCTTCAAAGGTGATGGCCCGCTCCCTCTCCCCACCCCCGGAGCTGGAAGAAAGGGA-3'